The following is an entry in ClinVar:

NM_001849.4(COL6A2):c.1327G>T (p.Glu443Ter)

Gene: COL6A2 (collagen type VI alpha 2 chain; plus strand). Cytogenetic location: 21q22.3.
Variant type: single nucleotide variant.
Coding change: c.1327G>T on transcript NM_001849.4 (MANE Select); coding-DNA position 1327, G replaced by T.
Protein change: p.Glu443Ter; replaces glutamic acid 443 with a stop codon.
Molecular consequence: nonsense.
Genome position (GRCh38, 1-based): chr21:46,119,845, G>T. VCF-style: chr21-46119845-G-T. GRCh37 (hg19) VCF-style: chr21-47539759-G-T.
Other names: c.1327G>T, p.Glu443Ter (NM_058174.3, NM_058175.3); short protein forms E443*.
Identifiers: ClinVar variation 2001492 (VCV002001492.4), dbSNP rs1442330797, ClinGen allele CA410530484.
Genomic context (GRCh38, chr21:46,119,845, plus strand): 5'-CAGGGGCGCAGGGGAGACCCCGGCACCAAGGGCAGCCCAGGCAGCGATGGCCCCAAGGGG[G>T]AGAAGGTGAGTCCTCGTGTGGAGGCAGCCCAGGGTCTCACTGTGGTGCCCATGGGCCCTG-3'

ClinVar aggregate classification (germline): Pathogenic (1 of 4 stars; one submission).

Conditions:
Bethlem myopathy 1A. Also called: MYOPATHY, BENIGN CONGENITAL, WITH CONTRACTURES; Bethlem myopathy 1; Bethlem Muscular Dystrophy. Identifiers: Orphanet 610, MedGen CN029274, MONDO:0024530, OMIM 158810.

Submission:

Labcorp Genetics (formerly Invitae), Labcorp
Classification: Pathogenic for Bethlem myopathy 1A. Last evaluated: 2022-05-31. Review status: criteria provided, single submitter. Criteria: Invitae Variant Classification Sherloc (09022015). Collection method: clinical testing. Allele origin: germline.
Comment: This sequence change creates a premature translational stop signal (p.Glu443*) in the COL6A2 gene. It is expected to result in an absent or disrupted protein product. Loss-of-function variants in COL6A2 are known to be pathogenic (PMID: 19884007, 20976770). This variant is not present in population databases (gnomAD no frequency). This variant has not been reported in the literature in individuals affected with COL6A2-related conditions. For these reasons, this variant has been classified as Pathogenic.

Literature cited by the submitters: PubMed 19884007; PubMed 20976770.